The following is an entry in ClinVar:

NM_002878.4(RAD51D):c.-2A>G

Genes: RAD51D (RAD51 paralog D; minus strand), RAD51L3-RFFL (RAD51L3-RFFL readthrough; minus strand). Cytogenetic location: 17q12.
Variant type: single nucleotide variant.
Coding change: c.-2A>G on transcript NM_002878.4 (MANE Select); 2 bases upstream of the start codon, A replaced by G.
Molecular consequence: 5 prime UTR variant. On other transcripts: non-coding transcript variant (2).
Genome position (GRCh38, 1-based): chr17:35,119,615, T>C on the plus strand (A>G on the coding strand, the complement: RAD51D is on the minus strand). VCF-style: chr17-35119615-T-C. GRCh37 (hg19) VCF-style: chr17-33446634-T-C.
Other names: c.-2A>G (NM_001142571.2, NM_133629.3).
Identifiers: ClinVar variation 927722 (VCV000927722.4), dbSNP rs2091800072, ClinGen allele CA913188850.

ClinVar aggregate classification (germline): Uncertain significance. Review status: criteria provided, multiple submitters, no conflicts (2 of 4 stars). 2 submissions from 2 submitters: Uncertain significance (2). Last evaluated 2020-03-17.

Conditions:
Hereditary cancer-predisposing syndrome. Also called: Neoplastic Syndromes, Hereditary; Hereditary Cancer Syndrome; Tumor predisposition; Hereditary neoplastic syndrome. Identifiers: Orphanet 140162, MedGen C0027672, MeSH D009386, MONDO:0015356.

Submissions (2):

Ambry Genetics
Classification: Uncertain significance for Hereditary cancer-predisposing syndrome. Last evaluated: 2020-03-17. Review status: criteria provided, single submitter. Criteria: Ambry Variant Classification Scheme 2023. Collection method: clinical testing. Allele origin: germline.
Comment: The c.-2A>G variant is located in the 5' untranslated region (5&rsquo; UTR) of the RAD51D gene. This variant results from an A to G substitution 2 bases upstream from the first translated codon. This nucleotide position is poorly conserved in available vertebrate species. Since supporting evidence is limited at this time, the clinical significance of this alteration remains unclear.

Color Diagnostics, LLC DBA Color Health
Classification: Uncertain significance for Hereditary cancer-predisposing syndrome. Last evaluated: 2018-11-09. Review status: criteria provided, single submitter. Criteria: ACMG Guidelines, 2015. Collection method: clinical testing. Allele origin: germline.